The following is an entry in ClinVar:

ClinVar aggregate classification (germline): Benign/Likely benign. Review status: criteria provided, multiple submitters, no conflicts (2 of 4 stars). 3 submissions from 3 submitters: Benign (1); Likely benign (2). Last evaluated 2025-02-14.

Conditions:
Hereditary cancer-predisposing syndrome. Also called: Neoplastic Syndromes, Hereditary; Hereditary Cancer Syndrome; Tumor predisposition; Hereditary neoplastic syndrome. Identifiers: Orphanet 140162, MedGen C0027672, MeSH D009386, MONDO:0015356.
Breast-ovarian cancer, familial, susceptibility to, 3. Also called: RAD51C-Related Breast/Ovarian Cancer. Identifiers: Orphanet 145, MedGen C3150659, MONDO:0013253, OMIM 613399.
Fanconi anemia complementation group O. Also called: RAD51C-Related Fanconi Anemia. Identifiers: Orphanet 84, MedGen C3150653, MONDO:0013248, OMIM 613390.

Allele frequency attached by ClinVar (database versions not stated): gnomAD exomes below 0.00001.
gnomAD v4.1: 1 of 1,614,248 alleles (0.000062%); highest among the groups gnomAD compares: Non-Finnish European, 0.000085%; no homozygotes.

Submissions (3):

Myriad Genetics, Inc.
Classification: Benign for Breast-ovarian cancer, familial, susceptibility to, 3. Last evaluated: 2025-02-14. Review status: criteria provided, single submitter. Criteria: Myriad Autosomal Dominant, Autosomal Recessive and X-Linked Classification Criteria (2023). Collection method: clinical testing. Allele origin: unknown.
Comment: This variant is considered benign. This variant is a silent/synonymous amino acid change and it is not expected to impact splicing.

Labcorp Genetics (formerly Invitae), Labcorp
Classification: Likely benign for Fanconi anemia complementation group O. Last evaluated: 2024-06-23. Review status: criteria provided, single submitter. Criteria: Invitae Variant Classification Sherloc (09022015). Collection method: clinical testing. Allele origin: germline.

Ambry Genetics
Classification: Likely benign for Hereditary cancer-predisposing syndrome. Last evaluated: 2019-02-28. Review status: criteria provided, single submitter. Criteria: Ambry Variant Classification Scheme 2023. Collection method: clinical testing. Allele origin: germline.

NM_058216.3(RAD51C):c.33G>A (p.Gln11=)

Gene: RAD51C (RAD51 paralog C; plus strand). Cytogenetic location: 17q22.
Variant type: single nucleotide variant.
Coding change: c.33G>A on transcript NM_058216.3 (MANE Select); coding-DNA position 33, G replaced by A.
Protein change: p.Gln11=; no amino-acid change (glutamine 11 retained).
Molecular consequence: synonymous variant. On other transcripts: non-coding transcript variant (2).
Genome position (GRCh38, 1-based): chr17:58,692,676, G>A. VCF-style: chr17-58692676-G-A. GRCh37 (hg19) VCF-style: chr17-56770037-G-A.
Other names: c.33G>A, p.Gln11= (NM_002876.4).
Identifiers: ClinVar variation 796927 (VCV000796927.14), dbSNP rs748248444, ClinGen allele CA501074334.